The following is an entry in ClinVar:

ClinVar aggregate classification (germline): Conflicting classifications of pathogenicity. Review status: criteria provided, conflicting classifications (1 of 4 stars). 3 submissions from 3 submitters: Uncertain significance (2); Benign (1). Last evaluated 2025-11-20.

Conditions:
Inborn genetic diseases. Identifiers: MedGen C0950123, MeSH D030342.

gnomAD v4.1: 80 of 1,614,186 alleles (0.005%); highest among the groups gnomAD compares: Admixed American, 0.082%; no homozygotes.

Submissions (3):

Ambry Genetics
Classification: Uncertain significance for Inborn genetic diseases. Last evaluated: 2025-11-20. Review status: criteria provided, single submitter. Criteria: Ambry Variant Classification Scheme 2023. Collection method: clinical testing. Allele origin: germline.

Labcorp Genetics (formerly Invitae), Labcorp
Classification: Uncertain significance. Last evaluated: 2024-09-13. Review status: criteria provided, single submitter. Criteria: Invitae Variant Classification Sherloc (09022015). Collection method: clinical testing. Allele origin: germline.
Comment: This sequence change replaces arginine, which is basic and polar, with histidine, which is basic and polar, at codon 366 of the PISD protein (p.Arg366His). This variant is present in population databases (rs567105342, gnomAD 0.1%). This variant has not been reported in the literature in individuals affected with PISD-related conditions. ClinVar contains an entry for this variant (Variation ID: 2147683). Invitae Evidence Modeling of protein sequence and biophysical properties (such as structural, functional, and spatial information, amino acid conservation, physicochemical variation, residue mobility, and thermodynamic stability) indicates that this missense variant is not expected to disrupt PISD protein function with a negative predictive value of 80%. In summary, the available evidence is currently insufficient to determine the role of this variant in disease. Therefore, it has been classified as a Variant of Uncertain Significance.

Blueprint Genetics
Classification: Benign. Last evaluated: 2023-12-13. Review status: criteria provided, single submitter. Criteria: ACMG Guidelines, 2015. Collection method: clinical testing. Allele origin: germline.

NM_001326411.2(PISD):c.1097G>A (p.Arg366His)

Gene: PISD (phosphatidylserine decarboxylase; minus strand). Cytogenetic location: 22q12.2.
Variant type: single nucleotide variant.
Coding change: c.1097G>A on transcript NM_001326411.2 (MANE Select); coding-DNA position 1097, G replaced by A.
Protein change: p.Arg366His; replaces arginine 366 with histidine.
Molecular consequence: missense variant. On other transcripts: 3 prime UTR variant (1).
Genome position (GRCh38, 1-based): chr22:31,619,745, C>T on the plus strand (G>A on the coding strand, the complement: PISD is on the minus strand). VCF-style: chr22-31619745-C-T. GRCh37 (hg19) VCF-style: chr22-32015731-C-T.
Other names: c.1034G>A, p.Arg345His (NM_001326412.1, NM_001326413.2, NM_001326414.2); c.995G>A, p.Arg332His (NM_001326415.2, NM_001326416.2, NM_001326417.2 and 2 more transcripts); c.917G>A, p.Arg306His (NM_001326418.2); c.881G>A, p.Arg294His (NM_001326419.2); c.803G>A, p.Arg268His (NM_001326420.2); c.*45G>A (NM_001326421.1); c.995G>A (NM_014338.3); short protein forms R294H, R306H, R268H, R332H, R345H, R366H.
Identifiers: ClinVar variation 2147683 (VCV002147683.7), dbSNP rs567105342, ClinGen allele CA10194524.